The following is an entry in ClinVar:

ClinVar aggregate classification (germline): Uncertain significance (1 of 4 stars; one submission).

Conditions:
Hyperammonemic encephalopathy due to carbonic anhydrase VA deficiency. Also called: Carbonic Anhydrase VA Deficiency; Carbonic anhydrase VA deficiency, hyperammonemia due to. Identifiers: Orphanet 401948, MedGen C4706871, MONDO:0014332, OMIM 615751.

Allele frequency attached by ClinVar (database versions not stated): TOPMed below 0.00001; gnomAD 0.00001.
gnomAD v4.1: 24 of 1,613,486 alleles (0.0015%); highest among the groups gnomAD compares: Middle Eastern, 0.016%; no homozygotes.

Submission:

Labcorp Genetics (formerly Invitae), Labcorp
Classification: Uncertain significance for Hyperammonemic encephalopathy due to carbonic anhydrase VA deficiency. Last evaluated: 2021-12-12. Review status: criteria provided, single submitter. Criteria: Invitae Variant Classification Sherloc (09022015). Collection method: clinical testing. Allele origin: germline.
Comment: This variant has not been reported in the literature in individuals affected with CA5A-related conditions. In summary, the available evidence is currently insufficient to determine the role of this variant in disease. Therefore, it has been classified as a Variant of Uncertain Significance. Algorithms developed to predict the effect of missense changes on protein structure and function (SIFT, PolyPhen-2, Align-GVGD) all suggest that this variant is likely to be tolerated. This variant is not present in population databases (gnomAD no frequency). This sequence change replaces glutamic acid, which is acidic and polar, with lysine, which is basic and polar, at codon 138 of the CA5A protein (p.Glu138Lys).

NM_001739.2(CA5A):c.412G>A (p.Glu138Lys)

Gene: CA5A (carbonic anhydrase 5A; minus strand). Cytogenetic location: 16q24.2.
Variant type: single nucleotide variant.
Coding change: c.412G>A on transcript NM_001739.2 (MANE Select); coding-DNA position 412, G replaced by A.
Protein change: p.Glu138Lys; replaces glutamic acid 138 with lysine.
Molecular consequence: missense variant. On other transcripts: non-coding transcript variant (1).
Genome position (GRCh38, 1-based): chr16:87,904,833, C>T on the plus strand (G>A on the coding strand, the complement: CA5A is on the minus strand). VCF-style: chr16-87904833-C-T. GRCh37 (hg19) VCF-style: chr16-87938439-C-T.
Other names: c.412G>A, p.Glu138Lys (NM_001367225.1); short protein forms E138K.
Identifiers: ClinVar variation 1421784 (VCV001421784.6), dbSNP rs747262976, ClinGen allele CA397042379.